The following is an entry in ClinVar:

NM_001286577.2(C2CD3):c.1844-1G>T

Gene: C2CD3 (C2 domain containing 3 centriole elongation regulator; minus strand). Cytogenetic location: 11q13.4.
Variant type: single nucleotide variant.
Coding change: c.1844-1G>T on transcript NM_001286577.2 (MANE Select); the canonical splice acceptor site of the intron before coding-DNA position 1844, G replaced by T.
Molecular consequence: splice acceptor variant.
Genome position (GRCh38, 1-based): chr11:74,109,153, C>A on the plus strand (G>T on the coding strand, the complement: C2CD3 is on the minus strand). VCF-style: chr11-74109153-C-A. GRCh37 (hg19) VCF-style: chr11-73820198-C-A.
Other names: c.1844-1G>T (NM_015531.6).
Identifiers: ClinVar variation 3645406 (VCV003645406.2).

ClinVar aggregate classification (germline): Likely pathogenic (1 of 4 stars; one submission).

Submission:

Labcorp Genetics (formerly Invitae), Labcorp
Classification: Likely pathogenic. Last evaluated: 2024-03-20. Review status: criteria provided, single submitter. Criteria: Invitae Variant Classification Sherloc (09022015). Collection method: clinical testing. Allele origin: germline.
Comment: This sequence change affects an acceptor splice site in intron 11 of the C2CD3 gene. It is expected to disrupt RNA splicing. Variants that disrupt the donor or acceptor splice site typically lead to a loss of protein function (PMID: 16199547), and loss-of-function variants in C2CD3 are known to be pathogenic (PMID: 24997988, 26477546). This variant is not present in population databases (gnomAD no frequency). This variant has not been reported in the literature in individuals affected with C2CD3-related conditions. Algorithms developed to predict the effect of sequence changes on RNA splicing suggest that this variant may disrupt the consensus splice site. In summary, the currently available evidence indicates that the variant is pathogenic, but additional data are needed to prove that conclusively. Therefore, this variant has been classified as Likely Pathogenic.

Literature cited by the submitters: PubMed 16199547; PubMed 24997988; PubMed 26477546.